The following is an entry in ClinVar:

NM_001365088.1(SLC12A6):c.711_712insT (p.Met238fs)

Gene: SLC12A6 (solute carrier family 12 member 6; minus strand). Cytogenetic location: 15q14.
Variant type: Insertion.
Coding change: c.711_712insT on transcript NM_001365088.1 (MANE Select); coding-DNA positions 711 to 712, T inserted.
Protein change: p.Met238fs; shifts the reading frame from methionine 238.
Molecular consequence: frameshift variant.
Genome position: GRCh38 VCF-style: chr15-34256262-T-TA. GRCh37 (hg19) VCF-style: chr15-34548463-T-TA.
Other names: c.534_535insT, p.Met179fs (NM_001042494.2, NM_001042495.2); c.684_685insT, p.Met229fs (NM_001042496.2); c.666_667insT, p.Met223fs (NM_001042497.2); c.558_559insT, p.Met187fs (NM_005135.2); c.711_712insT, p.Met238fs (NM_133647.2); short protein forms M179fs, M187fs, M223fs, M229fs, M238fs.
Identifiers: ClinVar variation 3897006 (VCV003897006.1).
Genomic context (GRCh38, chr15:34,256,262, plus strand): 5'-CCTGAAATACAACCTTGACCTACTAACCTGGCACCACTCCATTAGTGGCAATGGCACTCA[T>TA]GGAGATAGCAGTCAACATTGTCTGCAGAGAAAAGGAAAGGAGAGGATTGTTACTGTGTAA-3'

ClinVar aggregate classification (germline): Likely pathogenic (1 of 4 stars; one submission).

Conditions:
Agenesis of the corpus callosum with peripheral neuropathy (ACCPN). Also called: POLYNEUROPATHY, SENSORIMOTOR, WITH OR WITHOUT AGENESIS OF THE CORPUS CALLOSUM; CHARLEVOIX DISEASE; Hereditary Motor and Sensory Neuropathy with Agenesis of the Corpus Callosum; HMSN/ACC. Identifiers: Orphanet 1496, MedGen C0795950, MONDO:0000902, OMIM 218000. Disease mechanism: loss of function.

Submission:

Kariminejad - Najmabadi Pathology & Genetics Center
Classification: Likely pathogenic for Agenesis of the corpus callosum with peripheral neuropathy. Last evaluated: 2020-10-04. Review status: criteria provided, single submitter. Criteria: ACMG Guidelines, 2015. Collection method: clinical testing. Allele origin: germline. Inheritance: Autosomal recessive inheritance. Affected: yes.
Comment: PVS1 PM2